The following is an entry in ClinVar:

NM_001261826.3(AP3D1):c.937G>A (p.Glu313Lys)

Gene: AP3D1 (adaptor related protein complex 3 subunit delta 1; minus strand). Cytogenetic location: 19p13.3.
Variant type: single nucleotide variant.
Coding change: c.937G>A on transcript NM_001261826.3 (MANE Select); coding-DNA position 937, G replaced by A.
Protein change: p.Glu313Lys; replaces glutamic acid 313 with lysine.
Molecular consequence: missense variant.
Genome position (GRCh38, 1-based): chr19:2,123,376, C>T on the plus strand (G>A on the coding strand, the complement: AP3D1 is on the minus strand). VCF-style: chr19-2123376-C-T. GRCh37 (hg19) VCF-style: chr19-2123375-C-T.
Other names: p.Glu313Lys; c.937G>A, p.Glu313Lys (NM_001374799.1, NM_003938.8); short protein forms E313K.
Identifiers: ClinVar variation 3611654 (VCV003611654.3).

ClinVar aggregate classification (germline): Uncertain significance. Review status: criteria provided, multiple submitters, no conflicts (2 of 4 stars). 2 submissions from 2 submitters: Uncertain significance (2). Last evaluated 2025-10-09.

Submissions (2):

Mayo Clinic Laboratories, Mayo Clinic
Classification: Uncertain significance. Last evaluated: 2025-10-09. Review status: criteria provided, single submitter. Criteria: ACMG Guidelines, 2015. Collection method: clinical testing. Allele origin: germline. Observed: 1 variant allele.
Comment: PM1

Labcorp Genetics (formerly Invitae), Labcorp
Classification: Uncertain significance. Last evaluated: 2024-04-14. Review status: criteria provided, single submitter. Criteria: Invitae Variant Classification Sherloc (09022015). Collection method: clinical testing. Allele origin: germline.
Comment: This sequence change replaces glutamic acid, which is acidic and polar, with lysine, which is basic and polar, at codon 313 of the AP3D1 protein (p.Glu313Lys). This variant is present in population databases (rs751364830, gnomAD 0.006%). This variant has not been reported in the literature in individuals affected with AP3D1-related conditions. An algorithm developed to predict the effect of missense changes on protein structure and function (PolyPhen-2) suggests that this variant is likely to be disruptive. In summary, the available evidence is currently insufficient to determine the role of this variant in disease. Therefore, it has been classified as a Variant of Uncertain Significance.